The following is an entry in ClinVar:

NM_001103.4(ACTN2):c.2578C>T (p.Gln860Ter)

Gene: ACTN2 (actinin alpha 2; plus strand). Cytogenetic location: 1q43.
Variant type: single nucleotide variant.
Coding change: c.2578C>T on transcript NM_001103.4 (MANE Select); coding-DNA position 2578, C replaced by T.
Protein change: p.Gln860Ter; replaces glutamine 860 with a stop codon.
Molecular consequence: nonsense.
Genome position (GRCh38, 1-based): chr1:236,762,512, C>T. VCF-style: chr1-236762512-C-T. GRCh37 (hg19) VCF-style: chr1-236925812-C-T.
Other names: p.Q860*:CAG>TAG; c.2578C>T, p.Gln860Ter (NM_001278343.2); c.1954C>T, p.Gln652Ter (NM_001278344.2); short protein forms Q860*, Q652*.
Identifiers: ClinVar variation 201650 (VCV000201650.4), dbSNP rs763078071, ClinGen allele CA335049.

ClinVar aggregate classification (germline): Conflicting classifications of pathogenicity. Review status: criteria provided, conflicting classifications (1 of 4 stars). 2 submissions from 2 submitters: Pathogenic (1); Uncertain significance (1). Last evaluated 2013-02-27.

Submissions (2):

Stanford Center for Inherited Cardiovascular Disease, Stanford University
Classification: Uncertain significance. Last evaluated: 2013-02-27. Review status: criteria provided, single submitter. Criteria: ACMG Guidelines, 2015. Collection method: provider interpretation. Allele origin: germline.

GeneDx
Classification: Pathogenic. Last evaluated: 2013-01-28. Review status: criteria provided, single submitter. Criteria: GeneDx Variant Classification (06012015). Collection method: clinical testing. Allele origin: germline. Affected: yes.
Comment: The Gln860Stop mutation in the ACTN2 gene has not been reported as a disease-causing mutation or as a benign polymorphism to our knowledge. Gln860Stop is located within the last exon of the ACTN2 gene, and is predicted to cause loss of normal protein function by protein truncation. While most of the disease-causing mutations in the ACTN2 gene are missense changes, a frameshift deletion located at the penultimate exon has been reported in association with DCM. In summary, Gln860Stop in the ACTN2 gene is interpreted as a disease-causing mutation. The variant is found in DCM panel(s).